The following is an entry in ClinVar:

ClinVar aggregate classification (germline): Uncertain significance (1 of 4 stars; one submission).

gnomAD v4.1: 3 of 1,612,980 alleles (0.00019%); highest among the groups gnomAD compares: East Asian, 0.0022%; no homozygotes.

Submission:

Labcorp Genetics (formerly Invitae), Labcorp
Classification: Uncertain significance. Last evaluated: 2023-10-05. Review status: criteria provided, single submitter. Criteria: Invitae Variant Classification Sherloc (09022015). Collection method: clinical testing. Allele origin: germline.
Comment: This sequence change replaces arginine, which is basic and polar, with tryptophan, which is neutral and slightly polar, at codon 1559 of the TECTA protein (p.Arg1559Trp). This variant is present in population databases (no rsID available, gnomAD 0.006%). This variant has not been reported in the literature in individuals affected with TECTA-related conditions. Advanced modeling of protein sequence and biophysical properties (such as structural, functional, and spatial information, amino acid conservation, physicochemical variation, residue mobility, and thermodynamic stability) performed at Invitae indicates that this missense variant is not expected to disrupt TECTA protein function. In summary, the available evidence is currently insufficient to determine the role of this variant in disease. Therefore, it has been classified as a Variant of Uncertain Significance.

NM_005422.4(TECTA):c.4675C>T (p.Arg1559Trp)

Genes: TBCEL-TECTA (TBCEL-TECTA readthrough; plus strand), TECTA (tectorin alpha; plus strand). Cytogenetic location: 11q23.3.
Variant type: single nucleotide variant.
Coding change: c.4675C>T on transcript NM_005422.4 (MANE Select); coding-DNA position 4675, C replaced by T.
Protein change: p.Arg1559Trp; replaces arginine 1559 with tryptophan.
Molecular consequence: missense variant.
Genome position (GRCh38, 1-based): chr11:121,158,210, C>T. VCF-style: chr11-121158210-C-T. GRCh37 (hg19) VCF-style: chr11-121028919-C-T.
Other names: c.5632C>T, p.Arg1878Trp (NM_001378761.1); short protein forms R1559W, R1878W.
Identifiers: ClinVar variation 2986307 (VCV002986307.3), dbSNP rs1490748218, ClinGen allele CA383027978.